The following is an entry in ClinVar:

ClinVar aggregate classification (germline): Benign/Likely benign. Review status: criteria provided, multiple submitters, no conflicts (2 of 4 stars). 6 submissions from 6 submitters: Benign (1); Likely benign (4). 1 of the submissions does not count toward it. Last evaluated 2025-12-01.

Conditions:
DAG1-related disorder. Also called: DAG1-related condition.
Autosomal recessive limb-girdle muscular dystrophy type 2P. Also called: MUSCULAR DYSTROPHY-DYSTROGLYCANOPATHY, LIMB-GIRDLE, DAG1-RELATED; Limb-Girdle Muscular Dystrophy Type 9C; MUSCULAR DYSTROPHY, LIMB-GIRDLE, TYPE 2P. Identifiers: Orphanet 280333, MedGen C4511963, MONDO:0013440, OMIM 613818.
Muscular dystrophy-dystroglycanopathy (congenital with brain and eye anomalies), type A9. Also called: WALKER-WARBURG SYNDROME OR MUSCLE-EYE BRAIN DISEASE, DAG1-RELATED; Muscular dystrophy-dystroglycanopathy (congenital with brain and eye anomalies), type a, 9. Identifiers: Orphanet 370997, Orphanet 899, MedGen C4225291, MONDO:0014683, OMIM 616538.

Allele frequency attached by ClinVar (database versions not stated): gnomAD 0.00012 and 0.00029; ESP Exome Variant Server 0.00016; TOPMed 0.00017; 1000 Genomes Project 30x 0.00047; gnomAD exomes 0.00063 and 0.00092; ExAC 0.00098.

Submissions (6):

Labcorp Genetics (formerly Invitae), Labcorp
Classification: Likely benign for Autosomal recessive limb-girdle muscular dystrophy type 2P; Muscular dystrophy-dystroglycanopathy (congenital with brain and eye anomalies), type A9. Last evaluated: 2025-12-01. Review status: criteria provided, single submitter. Criteria: Invitae Variant Classification Sherloc (09022015). Collection method: clinical testing. Allele origin: germline.

Blueprint Genetics
Classification: Likely benign. Last evaluated: 2024-11-22. Review status: criteria provided, single submitter. Criteria: ACMG Guidelines, 2015. Collection method: clinical testing. Allele origin: germline.

Athena Diagnostics
Classification: Benign. Last evaluated: 2020-09-01. Review status: criteria provided, single submitter. Criteria: Athena Diagnostics criteria. Collection method: clinical testing. Allele origin: unknown.

GeneDx
Classification: Likely benign. Last evaluated: 2020-03-20. Review status: criteria provided, single submitter. Criteria: GeneDx Variant Classification Process June 2021. Collection method: clinical testing. Allele origin: germline. Affected: yes.
Comment: See Variant Classification Assertion Criteria.

Eurofins Ntd Llc (ga)
Classification: Likely benign. Last evaluated: 2015-07-20. Review status: criteria provided, single submitter. Criteria: EGL Classification Definitions 2015. Collection method: clinical testing. Allele origin: germline. Observed: 1 variant allele, 1 heterozygote.

PreventionGenetics, part of Exact Sciences
Classification: Likely benign for DAG1-related condition. Last evaluated: 2023-12-29. Review status: no assertion criteria provided. Collection method: clinical testing. Allele origin: germline. Not counted in ClinVar's aggregate classification.
Comment: This variant is classified as likely benign based on ACMG/AMP sequence variant interpretation guidelines (Richards et al. 2015 PMID: 25741868, with internal and published modifications).

NM_004393.6(DAG1):c.286-10del

Gene: DAG1 (dystroglycan 1; plus strand). Cytogenetic location: 3p21.31.
Variant type: Deletion.
Coding change: c.286-10del on transcript NM_004393.6 (MANE Select); 10 bases into the intron before coding-DNA position 286, one base deleted (T; older notation c.286-10delT).
Molecular consequence: intron variant.
Genome position (GRCh38, 1-based): chr3:49,530,787, T deleted. VCF-style (leftmost placement, unchanged base first): chr3-49530786-GT-G. GRCh37 (hg19) VCF-style: chr3-49568219-GT-G.
Other names: c.286-10delT (NM_001165928.3, NM_004393.5); c.286-10del (NM_001177643.3, NM_001177644.3, NM_001177634.3 and 9 more transcripts).
Identifiers: ClinVar variation 282125 (VCV000282125.23), dbSNP rs747305463, ClinGen allele CA2398878.